The following is an entry in ClinVar:

ClinVar aggregate classification (germline): Uncertain significance (1 of 4 stars; one submission).

Conditions:
Nephronophthisis 18 (NPHP18). Identifiers: Orphanet 655, MedGen C3890591, MONDO:0014374, OMIM 615862.

Allele frequency attached by ClinVar (database versions not stated): gnomAD exomes below 0.00001; gnomAD 0.00001; TOPMed 0.00002.
gnomAD v4.1: 4 of 1,613,840 alleles (0.00025%); highest among the groups gnomAD compares: Admixed American, 0.0017%; no homozygotes.

Submission:

Labcorp Genetics (formerly Invitae), Labcorp
Classification: Uncertain significance for Nephronophthisis 18. Last evaluated: 2020-12-23. Review status: criteria provided, single submitter. Criteria: Invitae Variant Classification Sherloc (09022015). Collection method: clinical testing. Allele origin: germline.
Comment: In summary, the available evidence is currently insufficient to determine the role of this variant in disease. Therefore, it has been classified as a Variant of Uncertain Significance. Algorithms developed to predict the effect of sequence changes on RNA splicing suggest that this variant may create or strengthen a splice site, but this prediction has not been confirmed by published transcriptional studies. Algorithms developed to predict the effect of missense changes on protein structure and function output the following: SIFT: "Not Available"; PolyPhen-2: "Benign"; Align-GVGD: "Not Available". The arginine amino acid residue is found in multiple mammalian species, suggesting that this missense change does not adversely affect protein function. These predictions have not been confirmed by published functional studies and their clinical significance is uncertain. This variant has not been reported in the literature in individuals with CEP83-related conditions. This variant is not present in population databases (ExAC no frequency). This sequence change replaces lysine with arginine at codon 205 of the CEP83 protein (p.Lys205Arg). The lysine residue is weakly conserved and there is a small physicochemical difference between lysine and arginine.

NM_016122.3(CEP83):c.614A>G (p.Lys205Arg)

Gene: CEP83 (centrosomal protein 83; minus strand). Cytogenetic location: 12q22.
Variant type: single nucleotide variant.
Coding change: c.614A>G on transcript NM_016122.3 (MANE Select); coding-DNA position 614, A replaced by G.
Protein change: p.Lys205Arg; replaces lysine 205 with arginine.
Molecular consequence: missense variant. On other transcripts: non-coding transcript variant (3).
Genome position (GRCh38, 1-based): chr12:94,378,978, T>C on the plus strand (A>G on the coding strand, the complement: CEP83 is on the minus strand). VCF-style: chr12-94378978-T-C. GRCh37 (hg19) VCF-style: chr12-94772754-T-C.
Other names: c.614A>G, p.Lys205Arg (NM_001042399.2, NM_001346457.2, NM_001346460.2 and 3 more transcripts); c.302A>G, p.Lys101Arg (NM_001346458.2, NM_001346459.2, NM_001346462.2 and 2 more transcripts); c.389A>G, p.Lys130Arg (NM_001368041.1); c.77A>G, p.Lys26Arg (NM_001368042.1); short protein forms K130R, K205R, K101R, K26R.
Identifiers: ClinVar variation 1471317 (VCV001471317.6), dbSNP rs1566032936, ClinGen allele CA386146998.
Genomic context (GRCh38, chr12:94,378,978, plus strand): 5'-TTTAATTTTTGACACAAATAGACTTTTTCTCGAGCAAGTTGTTCCACTCGTTTGCTGTCT[T>C]TTGTGAGATCAACATTAAGCAGCTGGTTACGTAGTTCTTCTTTATCTTCCTCCAGTCTTG-3'
Protein context (NP_057206.2, residues 195-215): RNQLLNVDLT[Lys205Arg]DSKRVEQLAR